The following is an entry in ClinVar:

NM_015909.4(NBAS):c.5262del (p.Phe1754fs)

Gene: NBAS (NBAS subunit of NRZ tethering complex; minus strand). Cytogenetic location: 2p24.3.
Variant type: Deletion.
Coding change: c.5262del on transcript NM_015909.4 (MANE Select); coding-DNA position 5262, one base deleted (T; older notation c.5262delT).
Protein change: p.Phe1754fs; shifts the reading frame from phenylalanine 1754.
Molecular consequence: frameshift variant. On other transcripts: non-coding transcript variant (1).
Genome position (GRCh38, 1-based): chr2:15,276,978, A deleted on the plus strand (T on the coding strand, the reverse complement: NBAS is on the minus strand); the first of 3 consecutive A bases (chr2:15,276,978-15,276,980); deleting any one gives the same sequence. VCF-style (leftmost placement, unchanged base first): chr2-15276977-CA-C. GRCh37 (hg19) VCF-style: chr2-15417101-CA-C.
Other names: short protein forms F1754fs.
Identifiers: ClinVar variation 1032709 (VCV001032709.1), dbSNP rs1669613513, ClinGen allele CA2490822518.

ClinVar aggregate classification (germline): Pathogenic (1 of 4 stars; one submission).

Conditions:
Infantile liver failure syndrome 2 (ILFS2). Identifiers: MedGen C3809651, MONDO:0014659, OMIM 616483.

Submission:

Baylor Genetics
Classification: Pathogenic for Infantile liver failure syndrome 2. Last evaluated: 2018-01-24. Review status: criteria provided, single submitter. Criteria: ACMG Guidelines, 2015. Collection method: clinical testing. Allele origin: de novo. Affected: yes.
Comment: This variant was determined to be pathogenic according to ACMG Guidelines, 2015 [PMID:25741868].